The following is an entry in ClinVar:

NM_207361.6(FREM2):c.3087G>A (p.Ala1029=)

Gene: FREM2 (FRAS1 related extracellular matrix 2; plus strand). Cytogenetic location: 13q13.3.
Variant type: single nucleotide variant.
Coding change: c.3087G>A on transcript NM_207361.6 (MANE Select); coding-DNA position 3087, G replaced by A.
Protein change: p.Ala1029=; no amino-acid change (alanine 1029 retained).
Molecular consequence: synonymous variant.
Genome position (GRCh38, 1-based): chr13:38,690,431, G>A. VCF-style: chr13-38690431-G-A. GRCh37 (hg19) VCF-style: chr13-39264568-G-A.
Other names: c.3087G>A (NM_207361.5).
Identifiers: ClinVar variation 1370074 (VCV001370074.7), dbSNP rs561336798, ClinGen allele CA6954729.
Genomic context (GRCh38, chr13:38,690,431, plus strand): 5'-CTTGGAGGGCTCTGTTGTATATACCCACACCAGTGGTGAGATAGGCCTATTGCCTAAAGC[G>A]GATTCTTTTAACCTGAGTCTGTCAGATATGTCTCAAGAATGGAGAATTGGTGGCAATACT-3'
Protein context (NP_997244.4, residues 1019-1039): TSGEIGLLPK[Ala1029=]DSFNLSLSDM

ClinVar aggregate classification (germline): Likely benign. Review status: criteria provided, multiple submitters, no conflicts (2 of 4 stars). 2 submissions from 2 submitters: Likely benign (2). Last evaluated 2026-01-22.

Conditions:
FREM2-related disorder. Also called: FREM2-related condition.

Allele frequency attached by ClinVar (database versions not stated): ExAC 0.00005; gnomAD exomes 0.00005 and 0.00006; gnomAD 0.00006; TOPMed 0.00006; 1000 Genomes Project 30x 0.00016; 1000 Genomes Project 0.00020.
gnomAD v4.1: 80 of 1,614,172 alleles (0.005%); highest among the groups gnomAD compares: Middle Eastern, 0.016%; no homozygotes.

Submissions (2):

PreventionGenetics, part of Exact Sciences
Classification: Likely benign for FREM2-related condition. Last evaluated: 2026-01-22. Review status: criteria provided, single submitter. Criteria: ACMG Guidelines, 2015. Collection method: clinical testing. Allele origin: germline.
Comment: This variant is classified as likely benign based on ACMG/AMP sequence variant interpretation guidelines (Richards et al. 2015 PMID: 25741868, with internal and published modifications).

Labcorp Genetics (formerly Invitae), Labcorp
Classification: Likely benign. Last evaluated: 2026-01-05. Review status: criteria provided, single submitter. Criteria: Invitae Variant Classification Sherloc (09022015). Collection method: clinical testing. Allele origin: germline.